The following is an entry in ClinVar:

NM_001457.4(FLNB):c.1114A>G (p.Asn372Asp)

Gene: FLNB (filamin B; plus strand). Cytogenetic location: 3p14.3.
Variant type: single nucleotide variant.
Coding change: c.1114A>G on transcript NM_001457.4 (MANE Select); coding-DNA position 1114, A replaced by G.
Protein change: p.Asn372Asp; replaces asparagine 372 with aspartic acid.
Molecular consequence: missense variant.
Genome position (GRCh38, 1-based): chr3:58,097,944, A>G. VCF-style: chr3-58097944-A-G. GRCh37 (hg19) VCF-style: chr3-58083671-A-G.
Other names: c.1114A>G, p.Asn372Asp (NM_001164317.2, NM_001164318.2, NM_001164319.2); short protein forms N372D.
Identifiers: ClinVar variation 3615066 (VCV003615066.2).
Genomic context (GRCh38, chr3:58,097,944, plus strand): 5'-GGAGATGCCAGTAAAGTCACTGCAAAAGGTCCAGGGTTGGAAGCTGTAGGGAACATCGCC[A>G]ATAAGCCCACCTACTTTGACATCTATACGGCAGGTAACGTGCCTCTCCTCCATGGATCTG-3'
Protein context (NP_001448.2, residues 362-382): PGLEAVGNIA[Asn372Asp]KPTYFDIYTA

ClinVar aggregate classification (germline): Uncertain significance (1 of 4 stars; one submission).

gnomAD v4.1: 5 of 1,614,024 alleles (0.00031%); highest among the groups gnomAD compares: African/African-American, 0.0053%; no homozygotes.

Submission:

Labcorp Genetics (formerly Invitae), Labcorp
Classification: Uncertain significance. Last evaluated: 2024-02-12. Review status: criteria provided, single submitter. Criteria: Invitae Variant Classification Sherloc (09022015). Collection method: clinical testing. Allele origin: germline.
Comment: This sequence change replaces asparagine, which is neutral and polar, with aspartic acid, which is acidic and polar, at codon 372 of the FLNB protein (p.Asn372Asp). This variant is not present in population databases (gnomAD no frequency). This variant has not been reported in the literature in individuals affected with FLNB-related conditions. Advanced modeling of protein sequence and biophysical properties (such as structural, functional, and spatial information, amino acid conservation, physicochemical variation, residue mobility, and thermodynamic stability) performed at Invitae indicates that this missense variant is not expected to disrupt FLNB protein function with a negative predictive value of 95%. In summary, the available evidence is currently insufficient to determine the role of this variant in disease. Therefore, it has been classified as a Variant of Uncertain Significance.